The following is an entry in ClinVar:

NM_032603.5(LOXL3):c.937G>A (p.Ala313Thr)

Gene: LOXL3 (lysyl oxidase like 3; minus strand). Cytogenetic location: 2p13.1.
Variant type: single nucleotide variant.
Coding change: c.937G>A on transcript NM_032603.5 (MANE Select); coding-DNA position 937, G replaced by A.
Protein change: p.Ala313Thr; replaces alanine 313 with threonine.
Molecular consequence: missense variant. On other transcripts: 5 prime UTR variant (1).
Genome position (GRCh38, 1-based): chr2:74,536,447, C>T on the plus strand (G>A on the coding strand, the complement: LOXL3 is on the minus strand). VCF-style: chr2-74536447-C-T. GRCh37 (hg19) VCF-style: chr2-74763574-C-T.
Other names: c.502G>A, p.Ala168Thr (NM_001289164.3); c.-147G>A (NM_001289165.2); short protein forms A168T, A313T.
Identifiers: ClinVar variation 1503603 (VCV001503603.4), dbSNP rs758787890, ClinGen allele CA1729024.

ClinVar aggregate classification (germline): Uncertain significance (1 of 4 stars; one submission).

Allele frequency attached by ClinVar (database versions not stated): gnomAD 0.00003 and 0.00004; gnomAD exomes 0.00005 and 0.00008; TOPMed 0.00007; ExAC 0.00008.

Submission:

Labcorp Genetics (formerly Invitae), Labcorp
Classification: Uncertain significance. Last evaluated: 2024-01-08. Review status: criteria provided, single submitter. Criteria: Invitae Variant Classification Sherloc (09022015). Collection method: clinical testing. Allele origin: germline.
Comment: This sequence change replaces alanine, which is neutral and non-polar, with threonine, which is neutral and polar, at codon 313 of the LOXL3 protein (p.Ala313Thr). This variant is present in population databases (rs758787890, gnomAD 0.06%). This variant has not been reported in the literature in individuals affected with LOXL3-related conditions. ClinVar contains an entry for this variant (Variation ID: 1503603). An algorithm developed to predict the effect of missense changes on protein structure and function (PolyPhen-2) suggests that this variant¬†is likely to be tolerated. In summary, the available evidence is currently insufficient to determine the role of this variant in disease. Therefore, it has been classified as a Variant of Uncertain Significance.